The following is an entry in ClinVar:

NM_002880.4(RAF1):c.1075T>C (p.Ser359Pro)

Gene: RAF1 (Raf-1 proto-oncogene, serine/threonine kinase; minus strand). Cytogenetic location: 3p25.2.
Variant type: single nucleotide variant.
Coding change: c.1075T>C on transcript NM_002880.4 (MANE Select); coding-DNA position 1075, T replaced by C.
Protein change: p.Ser359Pro; replaces serine 359 with proline.
Molecular consequence: missense variant. On other transcripts: non-coding transcript variant (3).
Genome position (GRCh38, 1-based): chr3:12,599,724, A>G on the plus strand (T>C on the coding strand, the complement: RAF1 is on the minus strand). VCF-style: chr3-12599724-A-G. GRCh37 (hg19) VCF-style: chr3-12641223-A-G.
Other names: c.1135T>C, p.Ser379Pro (NM_001354689.3); c.1075T>C, p.Ser359Pro (NM_001354690.3); c.832T>C, p.Ser278Pro (NM_001354691.3, NM_001354692.3); c.976T>C, p.Ser326Pro (NM_001354693.3); c.892T>C, p.Ser298Pro (NM_001354694.3); c.733T>C, p.Ser245Pro (NM_001354695.3); short protein forms S245P, S278P, S298P, S326P, S359P, S379P.
Identifiers: ClinVar variation 684859 (VCV000684859.7), dbSNP rs765433002, ClinGen allele CA2259590.
Genomic context (GRCh38, chr3:12,599,724, plus strand): 5'-TTAGTAAAGGGAGGGCCCCAAGCTTACCGTGCCATTTACCCTTATAAACAGTTCCAAAAG[A>G]GCCTGACCCAATCCGAGTGGACAGCATCACTTCACTGGCTTCTATTTCCCAATAATAGCT-3'
Protein context (NP_002871.1, residues 349-369): VMLSTRIGSG[Ser359Pro]FGTVYKGKWH

ClinVar aggregate classification (germline): Conflicting classifications of pathogenicity. Review status: criteria provided, conflicting classifications (1 of 4 stars). 3 submissions from 3 submitters: Uncertain significance (2); Likely benign (1). Last evaluated 2026-04-11.

Conditions:
Cardiovascular phenotype. Identifiers: MedGen CN230736.

Allele frequency attached by ClinVar (database versions not stated): gnomAD exomes 0.00001 and 0.00002; ExAC 0.00002.
gnomAD v4.1: 9 of 1,614,146 alleles (0.00056%); highest among the groups gnomAD compares: Non-Finnish European, 0.00076%; no homozygotes.

Submissions (3):

Ambry Genetics
Classification: Uncertain significance for Cardiovascular phenotype. Last evaluated: 2026-04-11. Review status: criteria provided, single submitter. Criteria: Ambry Variant Classification Scheme 2023. Collection method: clinical testing. Allele origin: germline.
Comment: The p.S359P variant (also known as c.1075T>C), located in coding exon 9 of the RAF1 gene, results from a T to C substitution at nucleotide position 1075. The serine at codon 359 is replaced by proline, an amino acid with similar properties. This amino acid position is conserved. In addition, this alteration is predicted to be deleterious by in silico analysis. Based on the available evidence, the clinical significance of this variant remains unclear.

Molecular Diagnostic Laboratory for Inherited Cardiovascular Disease, Montreal Heart Institute
Classification: Uncertain significance for Cardiovascular phenotype. Last evaluated: 2025-04-08. Review status: criteria provided, single submitter. Criteria: ACMG Guidelines, 2015. Collection method: clinical testing. Allele origin: germline. Affected: yes.
Comment: PM2, PP2, PP3

Blueprint Genetics
Classification: Likely benign. Last evaluated: 2023-05-24. Review status: criteria provided, single submitter. Criteria: ACMG Guidelines, 2015. Collection method: clinical testing. Allele origin: germline.